The following is an entry in ClinVar:

NM_004360.5(CDH1):c.1301G>A (p.Gly434Asp)

Gene: CDH1 (cadherin 1; plus strand). Cytogenetic location: 16q22.1.
Variant type: single nucleotide variant.
Coding change: c.1301G>A on transcript NM_004360.5 (MANE Select); coding-DNA position 1301, G replaced by A.
Protein change: p.Gly434Asp; replaces glycine 434 with aspartic acid.
Molecular consequence: missense variant. On other transcripts: 5 prime UTR variant (2), intron variant (1).
Genome position (GRCh38, 1-based): chr16:68,813,476, G>A. VCF-style: chr16-68813476-G-A. GRCh37 (hg19) VCF-style: chr16-68847379-G-A.
Other names: c.1301G>A (LRG_301t1, NM_004360.4); c.-315G>A (NM_001317185.2); c.-519G>A (NM_001317186.2); c.1137+1213G>A (NM_001317184.2); short protein forms G434D.
Identifiers: ClinVar variation 463708 (VCV000463708.13), dbSNP rs1555515914, ClinGen allele CA396461862.

ClinVar aggregate classification (germline): Uncertain significance. Review status: criteria provided, multiple submitters, no conflicts (2 of 4 stars). 3 submissions from 3 submitters: Uncertain significance (3). Last evaluated 2023-06-04.

Conditions:
Hereditary cancer-predisposing syndrome. Also called: Hereditary neoplastic syndrome; Neoplastic Syndromes, Hereditary; Tumor predisposition; Hereditary Cancer Syndrome. Identifiers: Orphanet 140162, MedGen C0027672, MeSH D009386, MONDO:0015356.
Hereditary diffuse gastric adenocarcinoma (HDGC). Also called: DIFFUSE GASTRIC AND LOBULAR BREAST CANCER SYNDROME. Identifiers: Orphanet 26106, MedGen C1708349, MONDO:0007648, OMIM 137215.

Submissions (3):

Labcorp Genetics (formerly Invitae), Labcorp
Classification: Uncertain significance for Hereditary diffuse gastric adenocarcinoma. Last evaluated: 2023-06-04. Review status: criteria provided, single submitter. Criteria: Invitae Variant Classification Sherloc (09022015). Collection method: clinical testing. Allele origin: germline.
Comment: In summary, the available evidence is currently insufficient to determine the role of this variant in disease. Therefore, it has been classified as a Variant of Uncertain Significance. An algorithm developed to predict the effect of missense changes on protein structure and function (PolyPhen-2) suggests that this variant is likely to be disruptive. ClinVar contains an entry for this variant (Variation ID: 463708). This variant has not been reported in the literature in individuals affected with CDH1-related conditions. This variant is not present in population databases (gnomAD no frequency). This sequence change replaces glycine, which is neutral and non-polar, with aspartic acid, which is acidic and polar, at codon 434 of the CDH1 protein (p.Gly434Asp).

European Reference Network on Genetic Tumour Risk Syndromes (ERN-GENTURIS), i3s - Instituto de Investigação e Inovação em Saúde, University of Porto
Classification: Uncertain significance for Hereditary diffuse gastric adenocarcinoma. Last evaluated: 2022-08-01. Review status: criteria provided, single submitter. Criteria: Lee et al. (Hum Mutat. 2018). Collection method: clinical testing. Allele origin: germline. Inheritance: Autosomal dominant inheritance. Affected: no. Study: ERN GENTURIS.
Comment: PM2 (PMID: 30311375)

Ambry Genetics
Classification: Uncertain significance for Hereditary cancer-predisposing syndrome. Last evaluated: 2021-06-17. Review status: criteria provided, single submitter. Criteria: Ambry Variant Classification Scheme 2023. Collection method: clinical testing. Allele origin: germline.
Comment: The p.G434D variant (also known as c.1301G>A), located in coding exon 9 of the CDH1 gene, results from a G to A substitution at nucleotide position 1301. The glycine at codon 434 is replaced by aspartic acid, an amino acid with similar properties. This amino acid position is highly conserved in available vertebrate species. In addition, this alteration is predicted to be deleterious by in silico analysis. Since supporting evidence is limited at this time, the clinical significance of this alteration remains unclear.

Literature cited by the submitters: PubMed 36436516 (cited by European Reference Network on Genetic Tumour Risk Syndromes (ERN-GENTURIS), i3s - Instituto de Investigação e Inovação em Saúde, University of Porto).